The following is an entry in ClinVar:

ClinVar aggregate classification (germline): Pathogenic (1 of 4 stars; one submission).

Conditions:
Alstrom syndrome (ALMS). Identifiers: Orphanet 64, MedGen C0268425, MONDO:0008763, OMIM 203800.

Submission:

Labcorp Genetics (formerly Invitae), Labcorp
Classification: Pathogenic for Alstrom syndrome. Last evaluated: 2022-09-16. Review status: criteria provided, single submitter. Criteria: Invitae Variant Classification Sherloc (09022015). Collection method: clinical testing. Allele origin: germline.
Comment: This sequence change creates a premature translational stop signal (p.Glu3623Asnfs*39) in the ALMS1 gene. It is expected to result in an absent or disrupted protein product. Loss-of-function variants in ALMS1 are known to be pathogenic (PMID: 17594715). This variant is not present in population databases (gnomAD no frequency). This variant has not been reported in the literature in individuals affected with ALMS1-related conditions. For these reasons, this variant has been classified as Pathogenic.

Literature cited by the submitters: PubMed 17594715.

NM_001378454.1(ALMS1):c.10860del (p.Glu3622fs)

Gene: ALMS1 (ALMS1 centrosome and basal body associated protein; plus strand). Cytogenetic location: 2p13.1.
Variant type: Deletion.
Coding change: c.10860del on transcript NM_001378454.1 (MANE Select); coding-DNA position 10860, one base deleted (G; older notation c.10860delG).
Protein change: p.Glu3622fs; shifts the reading frame from glutamic acid 3622.
Molecular consequence: frameshift variant.
Genome position (GRCh38, 1-based): chr2:73,572,737, G deleted; the last of 2 consecutive G bases (chr2:73,572,736-73,572,737); deleting either gives the same sequence. VCF-style (leftmost placement, unchanged base first): chr2-73572735-AG-A. GRCh37 (hg19) VCF-style: chr2-73799862-AG-A.
Other names: c.10863del, p.Glu3623fs (NM_015120.4); short protein forms E3623fs, E3622fs.
Identifiers: ClinVar variation 2017703 (VCV002017703.4), dbSNP rs2466444966, ClinGen allele CA2580068172.